The following is an entry in ClinVar:

NM_007286.6(SYNPO):c.2356C>T (p.Pro786Ser)

Gene: SYNPO (synaptopodin; plus strand). Cytogenetic location: 5q33.1.
Variant type: single nucleotide variant.
Coding change: c.2356C>T on transcript NM_007286.6 (MANE Select); coding-DNA position 2356, C replaced by T.
Protein change: p.Pro786Ser; replaces proline 786 with serine.
Molecular consequence: missense variant.
Genome position (GRCh38, 1-based): chr5:150,656,731, C>T. VCF-style: chr5-150656731-C-T. GRCh37 (hg19) VCF-style: chr5-150036293-C-T.
Other names: short protein forms P786S.
Identifiers: ClinVar variation 3700620 (VCV003700620.2).

ClinVar aggregate classification (germline): Uncertain significance (1 of 4 stars; one submission).

gnomAD v4.1: 2 of 1,331,450 alleles (0.00015%); highest among the groups gnomAD compares: Admixed American, 0.0069%; no homozygotes.

Submission:

Labcorp Genetics (formerly Invitae), Labcorp
Classification: Uncertain significance. Last evaluated: 2024-10-25. Review status: criteria provided, single submitter. Criteria: Invitae Variant Classification Sherloc (09022015). Collection method: clinical testing. Allele origin: germline.
Comment: This sequence change replaces proline, which is neutral and non-polar, with serine, which is neutral and polar, at codon 786 of the SYNPO protein (p.Pro786Ser). This variant is not present in population databases (gnomAD no frequency). This variant has not been reported in the literature in individuals affected with SYNPO-related conditions. An algorithm developed to predict the effect of missense changes on protein structure and function (PolyPhen-2) suggests that this variant is likely to be disruptive. In summary, the available evidence is currently insufficient to determine the role of this variant in disease. Therefore, it has been classified as a Variant of Uncertain Significance.